The following is an entry in ClinVar:

NM_000138.5(FBN1):c.2142_2143del (p.Pro715fs)

Gene: FBN1 (fibrillin 1; minus strand). Cytogenetic location: 15q21.1.
Variant type: Deletion.
Coding change: c.2142_2143del on transcript NM_000138.5 (MANE Select); coding-DNA positions 2142 to 2143, 2 bases deleted (GC; older notation c.2142_2143delGC).
Protein change: p.Pro715fs; shifts the reading frame from proline 715.
Molecular consequence: frameshift variant.
Genome position (GRCh38, 1-based): chr15:48,499,009-48,499,010, GC deleted on the plus strand (GC on the coding strand, the reverse complement: FBN1 is on the minus strand). VCF-style (leftmost placement, unchanged base first): chr15-48499008-GGC-G. GRCh37 (hg19) VCF-style: chr15-48791205-GGC-G.
Other names: c.2142_2143del, p.Pro715fs (NM_001406716.1); c.2142_2143delGC (NM_000138.5); short protein forms P715fs.
Identifiers: ClinVar variation 5042555 (VCV005042555.1).
Genomic context (GRCh38, chr15:48,499,008, plus strand): 5'-CATACTGAAGGTAGTAAATTTTGAAAGGAATCCTTACCACTGCCTGCTGACGTCATTCCT[GGC>G]CCACTGCTGCAGAGTGCCTGATATTCCGCTGCAATAAATTAACAGATAGTAAATGATTCC-3'

ClinVar aggregate classification (germline): Pathogenic (1 of 4 stars; one submission).

Conditions:
Marfan syndrome (MFS). Also called: MARFAN SYNDROME, TYPE I; Marfan syndrome type 1; Marfan's syndrome; Marfan syndrome, classic; FBN1-Related Marfan Syndrome. Identifiers: Orphanet 284963, Orphanet 558, MedGen C0024796, MONDO:0007947, OMIM 154700.

Submission:

UAEU Genomics Laboratory, United Arab Emirates University
Classification: Pathogenic for Marfan syndrome. Last evaluated: 2022-01-19. Review status: criteria provided, single submitter. Criteria: ACMG Guidelines, 2015. Collection method: research. Allele origin: germline. Affected: yes. Observed: 7 variant alleles.
Comment: PM2, PVS1, PP1